The following is an entry in ClinVar:

NM_000321.3(RB1):c.1695+30914_1695+30917dup

Genes: LPAR6 (lysophosphatidic acid receptor 6; minus strand), RB1 (RB transcriptional corepressor 1; plus strand). Cytogenetic location: 13q14.2.
Variant type: Duplication.
Coding change: c.1695+30914_1695+30917dup on transcript NM_000321.3 (MANE Select); bases 30914 to 30917 of the intron after coding-DNA position 1695, 4 bases duplicated (TGCA; older notation c.1695+30914_1695+30917dupTGCA).
Molecular consequence: intron variant. On other transcripts: frameshift variant (5).
Genome position (GRCh38, 1-based): chr13:48,412,357-48,412,360, TGCA duplicated; duplicating any 4 consecutive bases within chr13:48,412,355-48,412,360 gives the same sequence; the c. name uses the placement nearest the transcript's 3' end. VCF-style (leftmost placement, unchanged base first): chr13-48412354-A-ACATG. GRCh37 (hg19) VCF-style: chr13-48986490-A-ACATG.
Other names: p.Phe24HisfsTer29; c.66_69dup, p.Phe24fs (NM_001162497.3, NM_001162498.3, NM_001377316.2 and 2 more transcripts); c.1695+30914_1695+30917dup (NM_001407165.1); c.66_69dupCATG (NM_001162498.3); short protein forms F24fs.
Identifiers: ClinVar variation 1323245 (VCV001323245.12), dbSNP rs558917628, ClinGen allele CA6978901.

ClinVar aggregate classification (germline): Pathogenic. Review status: criteria provided, multiple submitters, no conflicts (2 of 4 stars). 8 submissions from 6 submitters: Pathogenic (5). 3 of the submissions do not count toward it. Last evaluated 2025-03-21.

Conditions:
Wooly hair, autosomal recessive 1, with or without hypotrichosis. Also called: Woolly hair, autosomal recessive 1, with or without hypotrichosis. Identifiers: MedGen C1848435, MONDO:0800312.
Wooly hair, autosomal recessive 3. Also called: WOOLLY HAIR, AUTOSOMAL RECESSIVE 3; WOOLLY HAIR, AUTOSOMAL RECESSIVE 3, WITH HYPOTRICHOSIS. Identifiers: Orphanet 170, MedGen C4225214, MONDO:0014765, OMIM 616760.
Hypotrichosis 8 (HYPT8). Also called: HYPOTRICHOSIS, LOCALIZED, AUTOSOMAL RECESSIVE 3. Identifiers: Orphanet 55654, MedGen C3279470, MONDO:0010206, OMIM 278150.

Submissions (8):

First Genomix Gene Laboratory, Genetic Diagnostics Department
Classification: Pathogenic for Hypotrichosis 8. Last evaluated: 2025-03-21. Review status: criteria provided, single submitter. Criteria: ACMG Guidelines, 2015. Collection method: clinical testing. Allele origin: germline. Inheritance: Autosomal recessive inheritance. Affected: no. Observed: 1 variant allele.

Neuberg Centre For Genomic Medicine, NCGM
Classification: Pathogenic for Wooly hair, autosomal recessive 3. Last evaluated: 2024-02-01. Review status: criteria provided, single submitter. Criteria: ACMG Guidelines, 2015. Collection method: clinical testing. Allele origin: germline. Inheritance: Autosomal recessive inheritance. Affected: yes.
Comment: The frameshift variant c.66_69dup (p.Phe24HisfsTer29) in LPAR6 gene has been reported previously in multiple individuals affected with Woolly hair with or without hypotrichosis (Azeem et al. 2008; Khan et al. 2011; Kurban et al. 2013). This variant is a common founder variant reported in South Asian / Pakistani populations (Kurban et al. 2013). The p.Phe24HisfsTer29 variant is present with an allele frequency of 0.006% on gnomAD Exomes. This variant has been submitted to the ClinVar database as Pathogenic (multiple submissions). This variant causes a frameshift starting with codon Phenylalanine 24, changes this amino acid to Histidine residue, and creates a premature Stop codon at position 29 of the new reading frame, denoted p.Phe24HisfsTer29. This variant is predicted to cause loss of normal protein function through protein truncation. Loss of function variants have been previously reported to be disease causing. For these reasons, this variant has been classified as Pathogenic. The same variant in LPAR6 gene has also been detected in homozygous state in siblings

Neuberg Centre For Genomic Medicine, NCGM
Classification: Pathogenic for Hypotrichosis 8. Last evaluated: 2023-03-01. Review status: criteria provided, single submitter. Criteria: ACMG Guidelines, 2015. Collection method: clinical testing. Allele origin: germline. Inheritance: Autosomal recessive inheritance. Affected: yes.
Comment: The frameshift variant c.66_69dup(p.Phe24HisfsTer29) in LPAR6 gene has been reported previously in homozygous state in multiple individuals with woolly hair and/or hypotrichosis. This variant is considered to have a founder effect in Pakistani patients (Kurban M, et al., 2013, Khan S, et al., 2011). The variant has 0.005% allele frequency in gnomAD Exomes and is novel (not in any individuals) in 1000 Genomes. This variant causes a frameshift starting with codon Phenylalanine 24, changes this amino acid to Histidine residue, and creates a premature Stop codon at position 29 of the new reading frame, denoted p.Phe24HisfsTer29. This variant has been reported to the ClinVar database as Pathogenic. This frameshift variant in the C-terminus is predicted to result in protein truncation, as the last 321 amino acids are lost and replaced with 28 incorrect amino acids. Loss of function variants have been previously reported to be disease causing. For these reasons, this variant has been classified as Pathogenic.

Foundation for Research in Genetics and Endocrinology, FRIGE's Institute of Human Genetics
Classification: Pathogenic for Hypotrichosis 8. Last evaluated: 2022-11-24. Review status: criteria provided, single submitter. Criteria: ACMG Guidelines, 2015. Collection method: clinical testing. Allele origin: germline. Inheritance: Autosomal recessive inheritance. Affected: yes. Observed: 1 homozygote.
Comment: A homozygous 4 base pair duplication in exon 1 of the LPAR6 gene that results in a frameshift and premature truncation of the protein 29 amino acids downstream to codon 24 was detected.This variant has not been reported in the 1000 genomes and gnomAD databases. The reference region is conserved across species. In summary, the variant meets our criteria to be classified as pathogenic.

GeneDx
Classification: Pathogenic. Last evaluated: 2022-01-26. Review status: criteria provided, single submitter. Criteria: GeneDx Variant Classification Process June 2021. Collection method: clinical testing. Allele origin: germline. Affected: yes.
Comment: Frameshift variant in the C-terminus predicted to result in protein truncation, as the last 321 amino acids are lost and replaced with 28 incorrect amino acids (HGMD); This variant is associated with the following publications: (PMID: 22385360, 18297072, 28425126, 21426374)

OMIM
Classification: Pathogenic for WOOLLY HAIR, AUTOSOMAL RECESSIVE 1, WITH OR WITHOUT HYPOTRICHOSIS. Last evaluated: 2011-08-01. Review status: no assertion criteria provided. Collection method: literature only. Allele origin: germline. Not counted in ClinVar's aggregate classification.

OMIM
Classification: Pathogenic for HYPOTRICHOSIS 8. Last evaluated: 2011-08-01. Review status: no assertion criteria provided. Collection method: literature only. Allele origin: germline. Not counted in ClinVar's aggregate classification.

Kasturba Medical College, Manipal, Kasturba Medical College, Manipal, Manipal Academy of Higher Education, Manipal, India
Classification: Pathogenic for Hypotrichosis 8. Review status: no assertion criteria provided. Collection method: clinical testing. Allele origin: biparental. Inheritance: Autosomal recessive inheritance. Affected: yes. Observed: 1 homozygote. Not counted in ClinVar's aggregate classification.

Literature cited by the submitters: PubMed 18297072 (cited by OMIM); PubMed 18461368 (cited by OMIM); PubMed 21426374 (cited by OMIM).